The following is an entry in ClinVar:

NM_016247.4(IMPG2):c.2560C>T (p.Gln854Ter)

Gene: IMPG2 (interphotoreceptor matrix proteoglycan 2; minus strand). Cytogenetic location: 3q12.3.
Variant type: single nucleotide variant.
Coding change: c.2560C>T on transcript NM_016247.4 (MANE Select); coding-DNA position 2560, C replaced by T.
Protein change: p.Gln854Ter; replaces glutamine 854 with a stop codon.
Molecular consequence: nonsense.
Genome position (GRCh38, 1-based): chr3:101,243,771, G>A on the plus strand (C>T on the coding strand, the complement: IMPG2 is on the minus strand). VCF-style: chr3-101243771-G-A. GRCh37 (hg19) VCF-style: chr3-100962615-G-A.
Other names: short protein forms Q854*.
Identifiers: ClinVar variation 2098104 (VCV002098104.4), dbSNP rs1706436727, ClinGen allele CA353856642.

ClinVar aggregate classification (germline): Pathogenic (1 of 4 stars; one submission).

Submission:

Labcorp Genetics (formerly Invitae), Labcorp
Classification: Pathogenic. Last evaluated: 2022-06-30. Review status: criteria provided, single submitter. Criteria: Invitae Variant Classification Sherloc (09022015). Collection method: clinical testing. Allele origin: germline.
Comment: For these reasons, this variant has been classified as Pathogenic. This variant has not been reported in the literature in individuals affected with IMPG2-related conditions. This variant is not present in population databases (gnomAD no frequency). This sequence change creates a premature translational stop signal (p.Gln854*) in the IMPG2 gene. It is expected to result in an absent or disrupted protein product. Loss-of-function variants in IMPG2 are known to be pathogenic (PMID: 20673862).

Literature cited by the submitters: PubMed 20673862.